The following is an entry in ClinVar:

ClinVar aggregate classification (germline): Uncertain significance. Review status: criteria provided, multiple submitters, no conflicts (2 of 4 stars). 2 submissions from 2 submitters: Uncertain significance (2). Last evaluated 2024-03-01.

Allele frequency attached by ClinVar (database versions not stated): ExAC 0.00002; TOPMed 0.00017; gnomAD 0.00005; gnomAD exomes below 0.00001.
gnomAD v4.1: 27 of 1,605,356 alleles (0.0017%); highest among the groups gnomAD compares: Admixed American, 0.015%; no homozygotes.

Submissions (2):

Ambry Genetics
Classification: Uncertain significance. Last evaluated: 2024-03-01. Review status: criteria provided, single submitter. Criteria: Ambry Variant Classification Scheme 2023. Collection method: clinical testing. Allele origin: germline.

Labcorp Genetics (formerly Invitae), Labcorp
Classification: Uncertain significance. Last evaluated: 2024-02-29. Review status: criteria provided, single submitter. Criteria: Invitae Variant Classification Sherloc (09022015). Collection method: clinical testing. Allele origin: germline.
Comment: This sequence change replaces isoleucine, which is neutral and non-polar, with valine, which is neutral and non-polar, at codon 1391 of the CASZ1 protein (p.Ile1391Val). This variant is present in population databases (rs768118953, gnomAD 0.007%). This variant has not been reported in the literature in individuals affected with CASZ1-related conditions. An algorithm developed to predict the effect of missense changes on protein structure and function (PolyPhen-2) suggests that this variant is likely to be tolerated. In summary, the available evidence is currently insufficient to determine the role of this variant in disease. Therefore, it has been classified as a Variant of Uncertain Significance.

NM_001079843.3(CASZ1):c.4171A>G (p.Ile1391Val)

Gene: CASZ1 (castor zinc finger 1; minus strand). Cytogenetic location: 1p36.22.
Variant type: single nucleotide variant.
Coding change: c.4171A>G on transcript NM_001079843.3 (MANE Select); coding-DNA position 4171, A replaced by G.
Protein change: p.Ile1391Val; replaces isoleucine 1391 with valine.
Molecular consequence: missense variant.
Genome position (GRCh38, 1-based): chr1:10,640,051, T>C on the plus strand (A>G on the coding strand, the complement: CASZ1 is on the minus strand). VCF-style: chr1-10640051-T-C. GRCh37 (hg19) VCF-style: chr1-10700108-T-C.
Other names: short protein forms I1391V.
Identifiers: ClinVar variation 3137728 (VCV003137728.4), dbSNP rs768118953, ClinGen allele CA584221.